The following is an entry in ClinVar:

NM_004820.5(CYP7B1):c.1249C>T (p.Arg417Cys)

Gene: CYP7B1 (cytochrome P450 family 7 subfamily B member 1; minus strand). Cytogenetic location: 8q12.3.
Variant type: single nucleotide variant.
Coding change: c.1249C>T on transcript NM_004820.5 (MANE Select); coding-DNA position 1249, C replaced by T.
Protein change: p.Arg417Cys; replaces arginine 417 with cysteine.
Molecular consequence: missense variant. On other transcripts: intron variant (1).
Genome position (GRCh38, 1-based): chr8:64,596,914, G>A on the plus strand (C>T on the coding strand, the complement: CYP7B1 is on the minus strand). VCF-style: chr8-64596914-G-A. GRCh37 (hg19) VCF-style: chr8-65509471-G-A.
Other names: c.1234-7070C>T (NM_001324112.2); short protein forms R417C.
Identifiers: ClinVar variation 586668 (VCV000586668.19), dbSNP rs367916692, ClinGen allele CA4764006.

ClinVar aggregate classification (germline): Pathogenic/Likely pathogenic. Review status: criteria provided, multiple submitters, no conflicts (2 of 4 stars). 5 submissions from 5 submitters: Pathogenic (3); Likely pathogenic (1). 1 of the submissions does not count toward it. Last evaluated 2026-05-14.

Conditions:
Spastic paraplegia. Identifiers: MedGen C0037772, HP:0001258.
Hereditary spastic paraplegia 5A (SPG5A). Also called: SPASTIC PARAPLEGIA 5A, AUTOSOMAL RECESSIVE. Identifiers: Orphanet 100986, MedGen C1849115, MONDO:0010047, OMIM 270800.

Allele frequency attached by ClinVar (database versions not stated): ExAC 0.00006; gnomAD 0.00001 and below 0.00001; gnomAD exomes 0.00005; ESP Exome Variant Server 0.00008; TOPMed 0.00001.

Submissions (5):

GeneDx
Classification: Likely pathogenic. Last evaluated: 2026-05-14. Review status: criteria provided, single submitter. Criteria: GeneDx Variant Classification Process June 2021. Collection method: clinical testing. Allele origin: germline.
Comment: In silico analysis supports that this missense variant has a deleterious effect on protein structure/function; In silico analysis is inconclusive as to whether the variant alters gene splicing. In the absence of RNA/functional studies, the actual effect of this sequence change is unknown.; This variant is associated with the following publications: (PMID: 34426522, 18252231, 22384504, 19439420, 34758253, 22652365, 21541746, 34983064, 24658845, 31980526, 21567895)

Labcorp Genetics (formerly Invitae), Labcorp
Classification: Pathogenic for Spastic paraplegia. Last evaluated: 2026-01-27. Review status: criteria provided, single submitter. Criteria: Invitae Variant Classification Sherloc (09022015). Collection method: clinical testing. Allele origin: germline.
Comment: This sequence change replaces arginine, which is basic and polar, with cysteine, which is neutral and slightly polar, at codon 417 of the CYP7B1 protein (p.Arg417Cys). This variant is present in population databases (rs367916692, gnomAD 0.03%). This missense change has been observed in individual(s) with hereditary spastic paraplegia or oxysterol 7α-hydroxylase deficiency (PMID: 19439420, 21567895, 24658845). In at least one individual the data is consistent with being in trans (on the opposite chromosome) from a pathogenic variant. ClinVar contains an entry for this variant (Variation ID: 586668). Invitae Evidence Modeling of protein sequence and biophysical properties (such as structural, functional, and spatial information, amino acid conservation, physicochemical variation, residue mobility, and thermodynamic stability) indicates that this missense variant is expected to disrupt CYP7B1 protein function with a positive predictive value of 95%. This variant disrupts the p.Arg417 amino acid residue in CYP7B1. Other variant(s) that disrupt this residue have been determined to be pathogenic (PMID: 18252231, 19439420, 22384504). This suggests that this residue is clinically significant, and that variants that disrupt this residue are likely to be disease-causing. For these reasons, this variant has been classified as Pathogenic.

Athena Diagnostics
Classification: Pathogenic. Last evaluated: 2024-12-11. Review status: criteria provided, single submitter. Criteria: Athena Diagnostics Criteria. Collection method: clinical testing. Allele origin: unknown.
Comment: The frequency of this variant in the general population is consistent with pathogenicity. This variant has been identified in several individuals with spastic paraplegia and appears to segregate with congenital bile acid synthesis defect in at least one family. In multiple individuals, this variant has been seen with a single recessive pathogenic variant in the same gene, suggesting this variant may also be pathogenic. Polyphen and MutationTaster predict this amino acid change may be damaging to the protein. At least one other missense variant at this codon is considered to be pathogenic or likely pathogenic, suggesting this variant may also cause disease.

Paris Brain Institute, Inserm - ICM
Classification: Pathogenic for Hereditary spastic paraplegia 5A. Review status: criteria provided, single submitter. Criteria: ACMG Guidelines, 2015. Collection method: clinical testing. Allele origin: unknown. Affected: yes. Observed: 2 variant alleles.

Genomics England Pilot Project, Genomics England
Classification: Likely pathogenic for Hereditary spastic paraplegia 5A. Review status: no assertion criteria provided. Criteria: ACGS Guidelines, 2016. Collection method: clinical testing. Allele origin: germline. Affected: yes. Not counted in ClinVar's aggregate classification.

Literature cited by the submitters: PubMed 19439420 (cited by Labcorp Genetics (formerly Invitae), Labcorp and Athena Diagnostics); PubMed 21567895 (cited by Labcorp Genetics (formerly Invitae), Labcorp and Athena Diagnostics); PubMed 24658845 (cited by Labcorp Genetics (formerly Invitae), Labcorp and Athena Diagnostics); PubMed 18252231 (cited by Labcorp Genetics (formerly Invitae), Labcorp); PubMed 22384504 (cited by Labcorp Genetics (formerly Invitae), Labcorp); PubMed 31980526 (cited by Athena Diagnostics); PubMed 34426522 (cited by Athena Diagnostics); PubMed 22652365 (cited by Athena Diagnostics); PubMed 21541746 (cited by Athena Diagnostics).